The following is an entry in ClinVar:

NM_000423.3(KRT2):c.150C>T (p.Gly50=)

Gene: KRT2 (keratin 2; minus strand). Cytogenetic location: 12q13.13.
Variant type: single nucleotide variant.
Coding change: c.150C>T on transcript NM_000423.3 (MANE Select); coding-DNA position 150, C replaced by T.
Protein change: p.Gly50=; no amino-acid change (glycine 50 retained).
Molecular consequence: synonymous variant.
Genome position (GRCh38, 1-based): chr12:52,651,993, G>A on the plus strand (C>T on the coding strand, the complement: KRT2 is on the minus strand). VCF-style: chr12-52651993-G-A. GRCh37 (hg19) VCF-style: chr12-53045777-G-A.
Identifiers: ClinVar variation 309626 (VCV000309626.18), dbSNP rs11835758, ClinGen allele CA6585951.
Genomic context (GRCh38, chr12:52,651,993, plus strand): 5'-CTTGGTCCCTCCAAGGCCAACAAGACTCCGACTGCCAAAGCCGCCTCCACCGAAGCCCCC[G>A]CCACCACCACCATGGCGGCTCAAGCAGGAGAAGCTGGAAGTTGATCTCCGGCTTCCACCA-3'
Protein context (NP_000414.2, residues 40-60): FSCLSRHGGG[Gly50=]GGFGGGGFGS

ClinVar aggregate classification (germline): Benign. Review status: criteria provided, multiple submitters, no conflicts (2 of 4 stars). 5 submissions from 5 submitters: Benign (5). Last evaluated 2026-02-04.

Conditions:
Ichthyosis bullosa of Siemens (IBS). Also called: Superficial epidermolytic ichthyosis. Identifiers: Orphanet 455, MedGen C0432306, MONDO:0007813, OMIM 146800.

Allele frequency attached by ClinVar (database versions not stated): 1000 Genomes Project 0.27815; 1000 Genomes Project 30x 0.28623; TOPMed 0.34461; ESP Exome Variant Server 0.35845; gnomAD 0.35901 and 0.35932.
gnomAD v4.1: 687,353 of 1,610,748 alleles (43%); highest among the groups gnomAD compares: Non-Finnish European, 46%; 153,499 homozygotes.

Submissions (5):

Labcorp Genetics (formerly Invitae), Labcorp
Classification: Benign. Last evaluated: 2026-02-04. Review status: criteria provided, single submitter. Criteria: Invitae Variant Classification Sherloc (09022015). Collection method: clinical testing. Allele origin: germline.

Genome-Nilou Lab
Classification: Benign for Ichthyosis bullosa of Siemens. Last evaluated: 2021-08-19. Review status: criteria provided, single submitter. Criteria: ACMG Guidelines, 2015. Collection method: clinical testing. Allele origin: germline. Affected: no.

GeneDx
Classification: Benign. Last evaluated: 2018-11-12. Review status: criteria provided, single submitter. Criteria: GeneDx Variant Classification Process June 2021. Collection method: clinical testing. Allele origin: germline. Affected: yes.

Illumina Laboratory Services, Illumina
Classification: Benign for Ichthyosis bullosa of Siemens. Last evaluated: 2018-01-13. Review status: criteria provided, single submitter. Criteria: ICSL Variant Classification Criteria 13 December 2019. Collection method: clinical testing. Allele origin: germline.
Comment: This variant was observed in the ICSL laboratory as part of a predisposition screen in an ostensibly healthy population. It had not been previously curated by ICSL or reported in the Human Gene Mutation Database (HGMD: prior to June 1st, 2018), and was therefore a candidate for classification through an automated scoring system. Utilizing variant allele frequency, disease prevalence and penetrance estimates, and inheritance mode, an automated score was calculated to assess if this variant is too frequent to cause the disease. Based on the score and internal cut-off values, a variant classified as benign is not then subjected to further curation. The score for this variant resulted in a classification of benign for this disease.

Breakthrough Genomics
Classification: Benign. Review status: criteria provided, single submitter. Criteria: ACMG Guidelines, 2015. Collection method: not provided. Allele origin: germline. Inheritance: Autosomal dominant inheritance. Affected: yes.